The following is an entry in ClinVar:

NM_015629.4(PRPF31):c.527+1G>T

Gene: PRPF31 (pre-mRNA processing factor 31; plus strand). Cytogenetic location: 19q13.42.
Variant type: single nucleotide variant.
Coding change: c.527+1G>T on transcript NM_015629.4 (MANE Select); the canonical splice donor site of the intron after coding-DNA position 527, G replaced by T.
Molecular consequence: splice donor variant.
Genome position (GRCh38, 1-based): chr19:54,123,561, G>T. VCF-style: chr19-54123561-G-T. GRCh37 (hg19) VCF-style: chr19-54626940-G-T.
Identifiers: ClinVar variation 372779 (VCV000372779.14), dbSNP rs1057517982, ClinGen allele CA309324735.

ClinVar aggregate classification (germline): Pathogenic. Review status: criteria provided, multiple submitters, no conflicts (2 of 4 stars). 6 submissions from 6 submitters: Pathogenic (6). Last evaluated 2026-09-22.

Conditions:
Retinal disorder. Also called: Retinopathy; Retinopathies; Retinal Diseases; Retinal disorders. Identifiers: MedGen C0035309, MONDO:0005283, HP:0000488.
Retinal dystrophy. Also called: Inherited retinal dystrophy. Identifiers: Orphanet 71862, MedGen C0854723, MeSH D058499, MONDO:0019118, HP:0000556.
PRPF31-related disorder. Also called: PRPF31-related condition.

Submissions (6):

Genetics Laboratory, Great Ormond Street Hospital NHS Foundation Trust, North Thames Genomic Laboratory Hub
Classification: Pathogenic for Retinal disorders. Last evaluated: 2026-09-22. Review status: criteria provided, single submitter. Criteria: ACGS Best Practice Guidelines for Variant Classification in Rare Disease 2024 v1.2. Collection method: clinical testing. Allele origin: germline. Affected: yes.
Comment: PS4_moderate, PM2_moderate, PVS1_very-strong

Centre of Medical Genetics, University Hospital Muenster
Classification: Pathogenic. Last evaluated: 2023-01-23. Review status: criteria provided, single submitter. Criteria: ACMG Guidelines, 2015. Collection method: clinical testing. Allele origin: unknown. Affected: yes. Observed: 1 variant allele, 1 heterozygote.
Comment: ACMG categories: PVS1,PM2,PP5

Labcorp Genetics (formerly Invitae), Labcorp
Classification: Pathogenic. Last evaluated: 2023-01-16. Review status: criteria provided, single submitter. Criteria: Invitae Variant Classification Sherloc (09022015). Collection method: clinical testing. Allele origin: germline.
Comment: For these reasons, this variant has been classified as Pathogenic. Studies have shown that disruption of this splice site results in the retention of intron 6 and introduces a premature termination codon (PMID: 16917484). The resulting mRNA is expected to undergo nonsense-mediated decay. ClinVar contains an entry for this variant (Variation ID: 372779). This variant is also known as IVS6+1G>T. Disruption of this splice site has been observed in individual(s) with retinitis pigmentosa (PMID: 16917484, 30582903). It has also been observed to segregate with disease in related individuals. This variant is not present in population databases (gnomAD no frequency). This sequence change affects a donor splice site in intron 6 of the PRPF31 gene. RNA analysis indicates that disruption of this splice site induces altered splicing and may result in an absent or disrupted protein product.

Blueprint Genetics
Classification: Pathogenic for PRPF31-related disorders. Last evaluated: 2022-10-24. Review status: criteria provided, single submitter. Criteria: ACMG Guidelines, 2015. Collection method: clinical testing. Allele origin: germline. Affected: yes. Observed: 5 variant alleles.

Institute of Human Genetics, Univ. Regensburg, Univ. Regensburg
Classification: Pathogenic for Retinal dystrophy. Last evaluated: 2021-01-01. Review status: criteria provided, single submitter. Criteria: ACMG Guidelines, 2015. Collection method: clinical testing. Allele origin: germline. Affected: yes.

GeneDx
Classification: Pathogenic. Last evaluated: 2018-01-18. Review status: criteria provided, single submitter. Criteria: GeneDx Variant Classification (06012015). Collection method: clinical testing. Allele origin: germline. Affected: yes.
Comment: The c.527+1G>T variant in the PRPF31 gene has been reported previously in the heterozygous state in six individuals affected with retinitis pigmentosa and retinal degeneration, as well as in three asymptomatic family members, indicating incomplete penetrance (Chakarova et al., 2006). This splice site variant destroys the canonical splice donor site in intron 6. It is predicted to cause abnormal gene splicing, either leading to an abnormal message that is subject to nonsense-mediated mRNA decay, or to an abnormal protein product if the message is used for protein translation. The c.527+1G>T variant was not observed in approximately 6500 individuals of European and African American ancestry in the NHLBI Exome Sequencing Project, indicating it is not a common benign variant in these populations. We interpret c.527+1G>T as a pathogenic variant.

Literature cited by the submitters: PubMed 16917484 (cited by Labcorp Genetics (formerly Invitae), Labcorp and Institute of Human Genetics, Univ. Regensburg, Univ. Regensburg); PubMed 30582903 (cited by Labcorp Genetics (formerly Invitae), Labcorp and Institute of Human Genetics, Univ. Regensburg, Univ. Regensburg); PubMed 25525159 (cited by Institute of Human Genetics, Univ. Regensburg, Univ. Regensburg); PubMed 28192796 (cited by Institute of Human Genetics, Univ. Regensburg, Univ. Regensburg); PubMed 34198599 (cited by Institute of Human Genetics, Univ. Regensburg, Univ. Regensburg).